The following is an entry in ClinVar:

ClinVar aggregate classification (germline): Uncertain significance (1 of 4 stars; one submission).

Conditions:
Candidiasis, familial, 9 (CANDF9). Identifiers: Orphanet 1334, MedGen C4225324, MONDO:0014642, OMIM 616445.

gnomAD v4.1: 3 of 1,613,980 alleles (0.00019%); highest among the groups gnomAD compares: African/African-American, 0.0027%; no homozygotes.

Submission:

Labcorp Genetics (formerly Invitae), Labcorp
Classification: Uncertain significance for Candidiasis, familial, 9. Last evaluated: 2025-03-27. Review status: criteria provided, single submitter. Criteria: Invitae Variant Classification Sherloc (09022015). Collection method: clinical testing. Allele origin: germline.
Comment: This sequence change replaces leucine, which is neutral and non-polar, with proline, which is neutral and non-polar, at codon 95 of the IL17RC protein (p.Leu95Pro). This variant is present in population databases (rs754778250, gnomAD 0.008%). This variant has not been reported in the literature in individuals affected with IL17RC-related conditions. An algorithm developed to predict the effect of missense changes on protein structure and function outputs the following: PolyPhen-2: "Probably Damaging". The proline amino acid residue is found in multiple mammalian species, which suggests that this missense change does not adversely affect protein function. In summary, the available evidence is currently insufficient to determine the role of this variant in disease. Therefore, it has been classified as a Variant of Uncertain Significance.

NM_153460.4(IL17RC):c.106-114T>C

Gene: IL17RC (interleukin 17 receptor C; plus strand). Cytogenetic location: 3p25.3.
Variant type: single nucleotide variant.
Coding change: c.106-114T>C on transcript NM_153460.4 (MANE Select); 114 bases into the intron before coding-DNA position 106, T replaced by C.
Molecular consequence: intron variant. On other transcripts: missense variant (1).
Genome position (GRCh38, 1-based): chr3:9,917,599, T>C. VCF-style: chr3-9917599-T-C. GRCh37 (hg19) VCF-style: chr3-9959283-T-C.
Other names: c.284T>C, p.Leu95Pro (NM_153461.4); c.106-114T>C (NM_001203263.2, NM_001203264.2, NM_001367278.1 and 5 more transcripts); short protein forms L95P.
Identifiers: ClinVar variation 4772595 (VCV004772595.1).